The following is an entry in ClinVar:

NM_001197104.2(KMT2A):c.2090T>C (p.Leu697Pro)

Gene: KMT2A (lysine methyltransferase 2A; plus strand). Cytogenetic location: 11q23.3.
Variant type: single nucleotide variant.
Coding change: c.2090T>C on transcript NM_001197104.2 (MANE Select); coding-DNA position 2090, T replaced by C.
Protein change: p.Leu697Pro; replaces leucine 697 with proline.
Molecular consequence: missense variant.
Genome position (GRCh38, 1-based): chr11:118,473,249, T>C. VCF-style: chr11-118473249-T-C. GRCh37 (hg19) VCF-style: chr11-118343964-T-C.
Other names: c.2189T>C, p.Leu730Pro (NM_001412597.1); c.2090T>C, p.Leu697Pro (NM_005933.4); short protein forms L697P, L730P.
Identifiers: ClinVar variation 3257535 (VCV003257535.17).

ClinVar aggregate classification (germline): Likely pathogenic (1 of 4 stars; one submission).

Submission:

CeGaT Center for Human Genetics Tuebingen
Classification: Likely pathogenic. Last evaluated: 2024-07-01. Review status: criteria provided, single submitter. Criteria: CeGaT Center For Human Genetics Tuebingen Variant Classification Criteria Version 2. Collection method: clinical testing. Allele origin: germline. Affected: yes. Observed: 1 variant allele.
Comment: KMT2A: PS2, PM2, PP3